The following is an entry in ClinVar:

NM_147127.5(EVC2):c.1214A>G (p.Asp405Gly)

Genes: EVC2 (EvC ciliary complex subunit 2; minus strand), LOC126806961 (BRD4-independent group 4 enhancer GRCh37_chr4:5641443-5642642; plus strand). Cytogenetic location: 4p16.2.
Variant type: single nucleotide variant.
Coding change: c.1214A>G on transcript NM_147127.5 (MANE Select); coding-DNA position 1214, A replaced by G.
Protein change: p.Asp405Gly; replaces aspartic acid 405 with glycine.
Molecular consequence: missense variant.
Genome position (GRCh38, 1-based): chr4:5,640,770, T>C on the plus strand (A>G on the coding strand, the complement: EVC2 is on the minus strand). VCF-style: chr4-5640770-T-C. GRCh37 (hg19) VCF-style: chr4-5642497-T-C.
Other names: c.974A>G, p.Asp325Gly (NM_001166136.2); short protein forms D325G, D405G.
Identifiers: ClinVar variation 1708927 (VCV001708927.4), dbSNP rs375543647, ClinGen allele CA2835115.

ClinVar aggregate classification (germline): Uncertain significance. Review status: criteria provided, multiple submitters, no conflicts (2 of 4 stars). 2 submissions from 2 submitters: Uncertain significance (2). Last evaluated 2024-08-12.

Conditions:
Ellis-van Creveld syndrome (EVC). Also called: EVC2-Related Ellis-van Creveld Syndrome; EVC-Related Ellis-van Creveld Syndrome; Chondroectodermal dysplasia; MESOECTODERMAL DYSPLASIA. Identifiers: Orphanet 289, MedGen C0013903, MONDO:0009162, OMIM 225500.
Curry-Hall syndrome (WAD). Also called: WEYERS ACRODENTAL DYSOSTOSIS. Identifiers: Orphanet 952, MedGen C0457013, MONDO:0008673, OMIM 193530.

Allele frequency attached by ClinVar (database versions not stated): gnomAD 0.00006; ESP Exome Variant Server 0.00008.
gnomAD v4.1: 27 of 1,614,198 alleles (0.0017%); highest among the groups gnomAD compares: African/African-American, 0.031%; no homozygotes.

Submissions (2):

Labcorp Genetics (formerly Invitae), Labcorp
Classification: Uncertain significance for Curry-Hall syndrome; Ellis-van Creveld syndrome. Last evaluated: 2024-08-12. Review status: criteria provided, single submitter. Criteria: Invitae Variant Classification Sherloc (09022015). Collection method: clinical testing. Allele origin: germline.
Comment: This sequence change replaces aspartic acid, which is acidic and polar, with glycine, which is neutral and non-polar, at codon 405 of the EVC2 protein (p.Asp405Gly). This variant is present in population databases (rs375543647, gnomAD 0.01%). This missense change has been observed in individual(s) with congenital heart disease (PMID: 33448881). ClinVar contains an entry for this variant (Variation ID: 1708927). An algorithm developed to predict the effect of missense changes on protein structure and function (PolyPhen-2) suggests that this variant is likely to be disruptive. In summary, the available evidence is currently insufficient to determine the role of this variant in disease. Therefore, it has been classified as a Variant of Uncertain Significance.

GeneDx
Classification: Uncertain significance. Last evaluated: 2022-09-30. Review status: criteria provided, single submitter. Criteria: GeneDx Variant Classification Process June 2021. Collection method: clinical testing. Allele origin: germline. Affected: yes.
Comment: In silico analysis supports that this missense variant has a deleterious effect on protein structure/function; This variant is associated with the following publications: (PMID: 33448881)

Literature cited by the submitters: PubMed 33448881 (cited by Labcorp Genetics (formerly Invitae), Labcorp).